The following is an entry in ClinVar:

NM_020433.5(JPH2):c.869C>T (p.Thr290Ile)

Gene: JPH2 (junctophilin 2; minus strand). Cytogenetic location: 20q13.12.
Variant type: single nucleotide variant.
Coding change: c.869C>T on transcript NM_020433.5 (MANE Select); coding-DNA position 869, C replaced by T.
Protein change: p.Thr290Ile; replaces threonine 290 with isoleucine.
Molecular consequence: missense variant.
Genome position (GRCh38, 1-based): chr20:44,159,918, G>A on the plus strand (C>T on the coding strand, the complement: JPH2 is on the minus strand). VCF-style: chr20-44159918-G-A. GRCh37 (hg19) VCF-style: chr20-42788558-G-A.
Other names: short protein forms T290I.
Identifiers: ClinVar variation 241295 (VCV000241295.14), dbSNP rs757257639, ClinGen allele CA9868795.

ClinVar aggregate classification (germline): Uncertain significance. Review status: criteria provided, multiple submitters, no conflicts (2 of 4 stars). 3 submissions from 3 submitters: Uncertain significance (3). Last evaluated 2025-10-23.

Conditions:
Cardiovascular phenotype. Identifiers: MedGen CN230736.
Cardiomyopathy, dilated, 2E. Identifiers: MedGen C5561970, MONDO:0030366, OMIM 619492.
Hypertrophic cardiomyopathy 17. Identifiers: MedGen C3151264, MONDO:0013474, OMIM 613873.
Hypertrophic cardiomyopathy. Also called: HYPERTROPHIC MYOCARDIOPATHY. Identifiers: Orphanet 217569, MedGen C0007194, MeSH D002312, MONDO:0005045, HP:0001639.

Allele frequency attached by ClinVar (database versions not stated): gnomAD exomes below 0.00001; ExAC 0.00001.

Submissions (3):

Ambry Genetics
Classification: Uncertain significance for Cardiovascular phenotype. Last evaluated: 2025-10-23. Review status: criteria provided, single submitter. Criteria: Ambry Variant Classification Scheme 2023. Collection method: clinical testing. Allele origin: germline.
Comment: The p.T290I variant (also known as c.869C>T), located in coding exon 2 of the JPH2 gene, results from a C to T substitution at nucleotide position 869. The threonine at codon 290 is replaced by isoleucine, an amino acid with similar properties. This variant was reported in individual(s) with features consistent with hypertrophic cardiomyopathy (Ambry internal data). This amino acid position is not well conserved in available vertebrate species. In addition, this alteration is predicted to be tolerated by in silico analysis. Based on the available evidence, the clinical significance of this variant remains unclear for autosomal dominant hypertrophic cardiomyopathy; however, it is unlikely to be causative of autosomal recessive dilated cardiomyopathy.

Labcorp Genetics (formerly Invitae), Labcorp
Classification: Uncertain significance for Hypertrophic cardiomyopathy. Last evaluated: 2025-03-12. Review status: criteria provided, single submitter. Criteria: Invitae Variant Classification Sherloc (09022015). Collection method: clinical testing. Allele origin: germline.
Comment: This sequence change replaces threonine, which is neutral and polar, with isoleucine, which is neutral and non-polar, at codon 290 of the JPH2 protein (p.Thr290Ile). The frequency data for this variant in the population databases is considered unreliable, as metrics indicate poor data quality at this position in the gnomAD database. This variant has not been reported in the literature in individuals affected with JPH2-related conditions. ClinVar contains an entry for this variant (Variation ID: 241295). An algorithm developed to predict the effect of missense changes on protein structure and function (PolyPhen-2) suggests that this variant is likely to be tolerated. In summary, the available evidence is currently insufficient to determine the role of this variant in disease. Therefore, it has been classified as a Variant of Uncertain Significance.

Fulgent Genetics
Classification: Uncertain significance for Hypertrophic cardiomyopathy 17; Cardiomyopathy, dilated, 2E. Last evaluated: 2021-11-05. Review status: criteria provided, single submitter. Criteria: ACMG Guidelines, 2015. Collection method: clinical testing. Allele origin: unknown.